The following is an entry in ClinVar:

ClinVar aggregate classification (germline): Benign/Likely benign. Review status: criteria provided, multiple submitters, no conflicts (2 of 4 stars). 3 submissions from 3 submitters: Benign (1); Likely benign (2). Last evaluated 2025-08-02.

Conditions:
Retinitis pigmentosa (RP). Identifiers: Orphanet 791, MedGen C0035334, MeSH D012174, MONDO:0019200, OMIM 268000. Inheritance: Autosomal dominant, autosomal recessive and X linked inheritance.

Allele frequency attached by ClinVar (database versions not stated): gnomAD exomes 0.00003 and 0.00007; ExAC 0.00010; 1000 Genomes Project 30x 0.00016; 1000 Genomes Project 0.00020; ESP Exome Variant Server 0.00031; gnomAD 0.00036 and 0.00041; TOPMed 0.00040.
gnomAD v4.1: 104 of 1,613,908 alleles (0.0064%); highest among the groups gnomAD compares: African/African-American, 0.13%; no homozygotes.

Submissions (3):

Labcorp Genetics (formerly Invitae), Labcorp
Classification: Benign. Last evaluated: 2025-08-02. Review status: criteria provided, single submitter. Criteria: Invitae Variant Classification Sherloc (09022015). Collection method: clinical testing. Allele origin: germline.

Blueprint Genetics
Classification: Likely benign. Last evaluated: 2024-06-17. Review status: criteria provided, single submitter. Criteria: ACMG Guidelines, 2015. Collection method: clinical testing. Allele origin: germline.

Illumina Laboratory Services, Illumina
Classification: Likely benign for Retinitis pigmentosa. Last evaluated: 2018-01-13. Review status: criteria provided, single submitter. Criteria: ICSL Variant Classification Criteria 13 December 2019. Collection method: clinical testing. Allele origin: germline.
Comment: This variant was observed in the ICSL laboratory as part of a predisposition screen in an ostensibly healthy population. It had not been previously curated by ICSL or reported in the Human Gene Mutation Database (HGMD: prior to June 1st, 2018), and was therefore a candidate for classification through an automated scoring system. Utilizing variant allele frequency, disease prevalence and penetrance estimates, and inheritance mode, an automated score was calculated to assess if this variant is too frequent to cause the disease. Based on the score and internal cut-off values, a variant classified as likely benign is not then subjected to further curation. The score for this variant resulted in a classification of likely benign for this disease.

NM_006445.4(PRPF8):c.2298T>C (p.Thr766=)

Gene: PRPF8 (pre-mRNA processing factor 8; minus strand). Cytogenetic location: 17p13.3.
Variant type: single nucleotide variant.
Coding change: c.2298T>C on transcript NM_006445.4 (MANE Select); coding-DNA position 2298, T replaced by C.
Protein change: p.Thr766=; no amino-acid change (threonine 766 retained).
Molecular consequence: synonymous variant.
Genome position (GRCh38, 1-based): chr17:1,676,595, A>G on the plus strand (T>C on the coding strand, the complement: PRPF8 is on the minus strand). VCF-style: chr17-1676595-A-G. GRCh37 (hg19) VCF-style: chr17-1579889-A-G.
Identifiers: ClinVar variation 742121 (VCV000742121.14), dbSNP rs141736972, ClinGen allele CA8272147.